The following is an entry in ClinVar:

NM_000312.4(PROC):c.891C>T (p.Asp297=)

Gene: PROC (protein C, inactivator of coagulation factors Va and VIIIa; plus strand). Cytogenetic location: 2q14.3.
Variant type: single nucleotide variant.
Coding change: c.891C>T on transcript NM_000312.4 (MANE Select); coding-DNA position 891, C replaced by T.
Protein change: p.Asp297=; no amino-acid change (aspartic acid 297 retained).
Molecular consequence: synonymous variant.
Genome position (GRCh38, 1-based): chr2:127,428,451, C>T. VCF-style: chr2-127428451-C-T. GRCh37 (hg19) VCF-style: chr2-128186027-C-T.
Other names: p.Asp297=; c.1074C>T, p.Asp358= (NM_001375602.1); c.1056C>T, p.Asp352= (NM_001375603.1); c.954C>T, p.Asp318= (NM_001375604.1); c.993C>T, p.Asp331= (NM_001375605.1); c.1059C>T, p.Asp353= (NM_001375606.1); c.1077C>T, p.Asp359= (NM_001375607.1); c.834C>T, p.Asp278= (NM_001375608.1); and 3 more.
Identifiers: ClinVar variation 237634 (VCV000237634.16), dbSNP rs5935, ClinGen allele CA1859483.
Genomic context (GRCh38, chr2:127,428,451, plus strand): 5'-GCTGGACCTGGACATCAAGGAGGTCTTCGTCCACCCCAACTACAGCAAGAGCACCACCGA[C>T]AATGACATCGCACTGCTGCACCTGGCCCAGCCCGCCACCCTCTCGCAGACCATAGTGCCC-3'
Protein context (NP_000303.1, residues 287-307): VHPNYSKSTT[Asp297=]NDIALLHLAQ

ClinVar aggregate classification (germline): Benign/Likely benign. Review status: criteria provided, multiple submitters, no conflicts (2 of 4 stars). 3 submissions from 3 submitters: Benign (2); Likely benign (1). Last evaluated 2026-02-03.

Conditions:
Thrombophilia due to protein C deficiency, autosomal dominant. Also called: PROC DEFICIENCY, AUTOSOMAL DOMINANT; PROTEIN C DEFICIENCY, AUTOSOMAL DOMINANT. Identifiers: Orphanet 745, MedGen C2674321, MONDO:0008316, OMIM 176860. Disease mechanism: loss of function.

Allele frequency attached by ClinVar (database versions not stated): ESP Exome Variant Server 0.00008; gnomAD 0.00115 and 0.00226; TOPMed 0.00180; gnomAD exomes 0.00247 and 0.00562; ExAC 0.00572; 1000 Genomes Project 30x 0.01749; 1000 Genomes Project 0.01797.
gnomAD v4.1: 4,004 of 1,614,176 alleles (0.25%); highest among the groups gnomAD compares: East Asian, 4.4%; 90 homozygotes.

Submissions (3):

Labcorp Genetics (formerly Invitae), Labcorp
Classification: Benign for Thrombophilia due to protein C deficiency, autosomal dominant. Last evaluated: 2026-02-03. Review status: criteria provided, single submitter. Criteria: Invitae Variant Classification Sherloc (09022015). Collection method: clinical testing. Allele origin: germline.

Mayo Clinic Laboratories, Mayo Clinic
Classification: Benign. Last evaluated: 2024-02-23. Review status: criteria provided, single submitter. Criteria: ACMG Guidelines, 2015. Collection method: clinical testing. Allele origin: germline. Observed: 2 variant alleles.
Comment: BS1, BS2, BP4, BP7

Illumina Laboratory Services, Illumina
Classification: Likely benign for Thrombophilia due to protein C deficiency, autosomal dominant. Last evaluated: 2017-04-27. Review status: criteria provided, single submitter. Criteria: ICSL Variant Classification Criteria 13 December 2019. Collection method: clinical testing. Allele origin: germline.
Comment: This variant was observed as part of a predisposition screen in an ostensibly healthy population. A literature search was performed for the gene, cDNA change, and amino acid change (where applicable). No publications were found based on this search. Allele frequency data from public databases allowed determination this variant is unlikely to cause disease. Therefore, this variant is classified as likely benign.